The following is an entry in ClinVar:

NM_016356.5(DCDC2):c.855A>G (p.Ser285=)

Gene: DCDC2 (doublecortin domain containing 2; minus strand). Cytogenetic location: 6p22.3.
Variant type: single nucleotide variant.
Coding change: c.855A>G on transcript NM_016356.5 (MANE Select); coding-DNA position 855, A replaced by G.
Protein change: p.Ser285=; no amino-acid change (serine 285 retained).
Molecular consequence: synonymous variant.
Genome position (GRCh38, 1-based): chr6:24,278,116, T>C on the plus strand (A>G on the coding strand, the complement: DCDC2 is on the minus strand). VCF-style: chr6-24278116-T-C. GRCh37 (hg19) VCF-style: chr6-24278344-T-C.
Other names: c.855A>G, p.Ser285= (NM_001195610.2).
Identifiers: ClinVar variation 466327 (VCV000466327.57), dbSNP rs141519329, ClinGen allele CA3654625.
Genomic context (GRCh38, chr6:24,278,116, plus strand): 5'-TGGAATGGTTTCTTGTGAATTCTTTAATTTTACATTTTGTTTCAATTTCGTCAGTTTTTC[T>C]GAATTCACGTCTTCTTTTTTCCCTTTCCTCTTCAGGGGCTGAGGAGATGAGTTGTCACTG-3'
Protein context (NP_057440.2, residues 275-295): KRKGKKEDVN[Ser285=]EKLTKLKQNV

ClinVar aggregate classification (germline): Benign/Likely benign. Review status: criteria provided, multiple submitters, no conflicts (2 of 4 stars). 9 submissions from 9 submitters: Benign (2); Likely benign (4). 3 of the submissions do not count toward it. Last evaluated 2026-09-01.

Conditions:
DCDC2-related disorder. Also called: DCDC2-related condition.
Isolated neonatal sclerosing cholangitis (NSC). Also called: Sclerosing cholangitis, neonatal. Identifiers: Orphanet 480556, MedGen C4479344, MONDO:0018816, OMIM 617394.
Autosomal recessive nonsyndromic hearing loss 66 (DFNB66). Also called: Deafness, autosomal recessive 66. Identifiers: Orphanet 90636, MedGen C1857750, MONDO:0012442, OMIM 610212.
Nephronophthisis 19 (NPHP19). Identifiers: Orphanet 84081, MedGen C4015542, MONDO:0014537, OMIM 616217.

Allele frequency attached by ClinVar (database versions not stated): gnomAD exomes 0.00046 and 0.00093; ExAC 0.00088; ESP Exome Variant Server 0.00192; 1000 Genomes Project 30x 0.00203; 1000 Genomes Project 0.00220; gnomAD 0.00232 and 0.00249; TOPMed 0.00274.
gnomAD v4.1: 1,043 of 1,614,010 alleles (0.065%); highest among the groups gnomAD compares: African/African-American, 0.68%; 4 homozygotes.

Submissions (9):

CeGaT Center for Human Genetics Tuebingen
Classification: Likely benign. Last evaluated: 2026-09-01. Review status: criteria provided, single submitter. Criteria: CeGaT Center For Human Genetics Tuebingen Variant Classification Criteria Version 2. Collection method: clinical testing. Allele origin: germline. Affected: yes. Observed: 3 variant alleles.
Comment: DCDC2: BP4, BP7

Labcorp Genetics (formerly Invitae), Labcorp
Classification: Benign for Autosomal recessive nonsyndromic hearing loss 66; Isolated neonatal sclerosing cholangitis. Last evaluated: 2026-01-20. Review status: criteria provided, single submitter. Criteria: Invitae Variant Classification Sherloc (09022015). Collection method: clinical testing. Allele origin: germline.

Blueprint Genetics
Classification: Likely benign. Last evaluated: 2024-11-06. Review status: criteria provided, single submitter. Criteria: ACMG Guidelines, 2015. Collection method: clinical testing. Allele origin: germline.

Fulgent Genetics
Classification: Likely benign for Autosomal recessive nonsyndromic hearing loss 66; Nephronophthisis 19; Isolated neonatal sclerosing cholangitis. Last evaluated: 2021-10-15. Review status: criteria provided, single submitter. Criteria: ACMG Guidelines, 2015. Collection method: clinical testing. Allele origin: unknown.

GeneDx
Classification: Benign. Last evaluated: 2019-11-26. Review status: criteria provided, single submitter. Criteria: GeneDx Variant Classification Process June 2021. Collection method: clinical testing. Allele origin: germline. Affected: yes.

Eurofins Ntd Llc (ga)
Classification: Likely benign. Last evaluated: 2017-01-19. Review status: criteria provided, single submitter. Criteria: EGL Classification Definitions 2015. Collection method: clinical testing. Allele origin: germline. Observed: 1 variant allele, 1 heterozygote.

PreventionGenetics, part of Exact Sciences
Classification: Likely benign for DCDC2-related condition. Last evaluated: 2019-12-20. Review status: no assertion criteria provided. Collection method: clinical testing. Allele origin: germline. Not counted in ClinVar's aggregate classification.
Comment: This variant is classified as likely benign based on ACMG/AMP sequence variant interpretation guidelines (Richards et al. 2015 PMID: 25741868, with internal and published modifications).

Clinical Genetics DNA and cytogenetics Diagnostics Lab, Erasmus MC, Erasmus Medical Center
Classification: Likely benign. Review status: no assertion criteria provided. Collection method: clinical testing. Allele origin: germline. Affected: yes. Study: VKGL Data-share Consensus. Not counted in ClinVar's aggregate classification.

Genome Diagnostics Laboratory, University Medical Center Utrecht
Classification: Likely benign. Review status: no assertion criteria provided. Collection method: clinical testing. Allele origin: germline. Affected: yes. Study: VKGL Data-share Consensus. Not counted in ClinVar's aggregate classification.